The following is an entry in ClinVar:

NM_001374736.1(DST):c.12238A>G (p.Ile4080Val)

Gene: DST (dystonin; minus strand). Cytogenetic location: 6p12.1.
Variant type: single nucleotide variant.
Coding change: c.12238A>G on transcript NM_001374736.1 (MANE Select); coding-DNA position 12238, A replaced by G.
Protein change: p.Ile4080Val; replaces isoleucine 4080 with valine.
Molecular consequence: missense variant.
Genome position (GRCh38, 1-based): chr6:56,594,151, T>C on the plus strand (A>G on the coding strand, the complement: DST is on the minus strand). VCF-style: chr6-56594151-T-C. GRCh37 (hg19) VCF-style: chr6-56458949-T-C.
Other names: c.5881A>G (NM_001144769.2); c.5881A>G, p.Ile1961Val (NM_001144769.5); c.5467A>G, p.Ile1823Val (NM_001144770.2); c.12238A>G, p.Ile4080Val (NM_001374722.1); c.11605A>G, p.Ile3869Val (NM_001374729.1); c.5347A>G, p.Ile1783Val (NM_001374730.1, NM_001386100.1, NM_183380.4); c.12265A>G, p.Ile4089Val (NM_001374734.1); c.4369A>G, p.Ile1457Val (NM_015548.5); short protein forms I1457V, I1783V, I1823V, I1961V, I3869V, I4080V, I4089V.
Identifiers: ClinVar variation 999167 (VCV000999167.46), dbSNP rs200855949, ClinGen allele CA3868471.
Genomic context (GRCh38, chr6:56,594,151, plus strand): 5'-CTTCAGGAGAGAGATACTGACCCTGTTTCTCAAGCAACACTTGTGCAGACTGAGTGGCTA[T>C]GATCACTGCTTGGTGCTGAGAGATGATCTTCTCGTGTTGGGCCTATGTGAAAACAAATTG-3'
Protein context (NP_001361665.1, residues 4070-4090): KIISQHQAVI[Ile4080Val]ATQSAQVLLE

ClinVar aggregate classification (germline): Conflicting classifications of pathogenicity. Review status: criteria provided, conflicting classifications (1 of 4 stars). 5 submissions from 5 submitters: Uncertain significance (4); Likely benign (1). Last evaluated 2026-02-11.

Conditions:
DST-related disorder. Also called: DST-related disorders; DST-related condition.
Inborn genetic diseases. Identifiers: MedGen C0950123, MeSH D030342.
Hereditary sensory and autonomic neuropathy type 6. Also called: Neuropathy, hereditary sensory and autonomic, type VI; HSAN VI. Identifiers: Orphanet 314381, MedGen C3539003, MONDO:0013839, OMIM 614653.
Epidermolysis bullosa simplex 3, localized or generalized intermediate, with BP230 deficiency (EBS3). Also called: Epidermolysis bullosa simplex, autosomal recessive 2; Epidermolysis bullosa simplex due to BP230 deficiency. Identifiers: Orphanet 412181, MedGen C3809470, MONDO:0014180, OMIM 615425.

Allele frequency attached by ClinVar (database versions not stated): gnomAD 0.00007 and 0.00008; gnomAD exomes 0.00009; TOPMed 0.00009; ExAC 0.00012; 1000 Genomes Project 30x 0.00016; ESP Exome Variant Server 0.00016; 1000 Genomes Project 0.00020.
gnomAD v4.1: 145 of 1,572,218 alleles (0.0092%); highest among the groups gnomAD compares: Middle Eastern, 0.12%; no homozygotes.

Submissions (5):

PreventionGenetics, part of Exact Sciences
Classification: Uncertain significance for DST-related condition. Last evaluated: 2026-02-11. Review status: criteria provided, single submitter. Criteria: ACMG Guidelines, 2015. Collection method: clinical testing. Allele origin: germline.
Comment: The DST c.5881A>G variant is predicted to result in the amino acid substitution p.Ile1961Val. To our knowledge, this variant has not been reported in the literature. This variant is reported in 0.015% of alleles in individuals of European (non-Finnish) descent in gnomAD. At this time, the clinical significance of this variant is uncertain due to the absence of conclusive functional and genetic evidence.

Labcorp Genetics (formerly Invitae), Labcorp
Classification: Uncertain significance for Epidermolysis bullosa simplex 3, localized or generalized intermediate, with BP230 deficiency; Hereditary sensory and autonomic neuropathy type 6. Last evaluated: 2025-05-27. Review status: criteria provided, single submitter. Criteria: Invitae Variant Classification Sherloc (09022015). Collection method: clinical testing. Allele origin: germline.
Comment: The DST gene has multiple clinically relevant transcripts. This variant occurs in alternate transcript NM_015548.4, and corresponds to NM_001723.5:c.*21366A>G in the primary transcript. This sequence change replaces isoleucine, which is neutral and non-polar, with valine, which is neutral and non-polar, at codon 1457 of the DST protein (p.Ile1457Val). This variant is present in population databases (rs200855949, gnomAD 0.01%). This variant has not been reported in the literature in individuals affected with DST-related conditions. ClinVar contains an entry for this variant (Variation ID: 999167). Experimental studies and prediction algorithms are not available or were not evaluated, and the functional significance of this variant is currently unknown. In summary, the available evidence is currently insufficient to determine the role of this variant in disease. Therefore, it has been classified as a Variant of Uncertain Significance.

Ambry Genetics
Classification: Likely benign for Inborn genetic diseases. Last evaluated: 2023-12-18. Review status: criteria provided, single submitter. Criteria: Ambry Variant Classification Scheme 2023. Collection method: clinical testing. Allele origin: germline.

CeGaT Center for Human Genetics Tuebingen
Classification: Uncertain significance. Last evaluated: 2020-11-01. Review status: criteria provided, single submitter. Criteria: CeGaT Center For Human Genetics Tuebingen Variant Classification Criteria Version 2. Collection method: clinical testing. Allele origin: germline. Affected: yes. Observed: 1 variant allele.

Breakthrough Genomics
Classification: Uncertain significance. Review status: criteria provided, single submitter. Criteria: ACMG Guidelines, 2015. Collection method: not provided. Allele origin: germline. Inheritance: Autosomal recessive inheritance. Affected: yes.